The following is an entry in ClinVar:

NM_000069.3(CACNA1S):c.2088G>A (p.Glu696=)

Gene: CACNA1S (calcium voltage-gated channel subunit alpha1 S; minus strand). Cytogenetic location: 1q32.1.
Variant type: single nucleotide variant.
Coding change: c.2088G>A on transcript NM_000069.3 (MANE Select); coding-DNA position 2088, G replaced by A.
Protein change: p.Glu696=; no amino-acid change (glutamic acid 696 retained).
Molecular consequence: synonymous variant.
Genome position (GRCh38, 1-based): chr1:201,073,618, C>T on the plus strand (G>A on the coding strand, the complement: CACNA1S is on the minus strand). VCF-style: chr1-201073618-C-T. GRCh37 (hg19) VCF-style: chr1-201042746-C-T.
Identifiers: ClinVar variation 3386360 (VCV003386360.2).

ClinVar aggregate classification (germline): Likely benign. Review status: criteria provided, multiple submitters, no conflicts (2 of 4 stars). 2 submissions from 2 submitters: Likely benign (2). Last evaluated 2024-07-10.

Conditions:
Malignant hyperthermia, susceptibility to, 5 (MHS5). Also called: CACNA1S-Related Malignant Hyperthermia Susceptibility. Identifiers: Orphanet 423, MedGen C1866077, MONDO:0011163, OMIM 601887.

Submissions (2):

All of Us Research Program, National Institutes of Health
Classification: Likely benign for Malignant hyperthermia, susceptibility to, 5. Last evaluated: 2024-07-10. Review status: criteria provided, single submitter. Criteria: ACMG Guidelines, 2015. Collection method: clinical testing. Allele origin: germline. Inheritance: Autosomal dominant inheritance. Observed: 1 variant allele, 1 heterozygote.
Comment: This study involves interpretation of variants in research participants for the purpose of population health screening. Participant phenotype was not available at the time of variant classification. Additional details can be found in publication PMID: 35346344, PMCID: PMC8962531

Color Diagnostics, LLC DBA Color Health
Classification: Likely benign for Malignant hyperthermia, susceptibility to, 5. Last evaluated: 2024-06-18. Review status: criteria provided, single submitter. Criteria: ACMG Guidelines, 2015. Collection method: clinical testing. Allele origin: germline.